The following is an entry in ClinVar:

ClinVar aggregate classification (germline): Pathogenic (1 of 4 stars; one submission).

Submission:

Labcorp Genetics (formerly Invitae), Labcorp
Classification: Pathogenic. Last evaluated: 2025-05-13. Review status: criteria provided, single submitter. Criteria: Invitae Variant Classification Sherloc (09022015). Collection method: clinical testing. Allele origin: germline.
Comment: This sequence change creates a premature translational stop signal (p.Pro104Leufs*79) in the LEMD3 gene. It is expected to result in an absent or disrupted protein product. Loss-of-function variants in LEMD3 are known to be pathogenic (PMID: 15489854, 19438932). This variant is not present in population databases (gnomAD no frequency). This variant has not been reported in the literature in individuals affected with LEMD3-related conditions. ClinVar contains an entry for this variant (Variation ID: 1414403). For these reasons, this variant has been classified as Pathogenic.

Literature cited by the submitters: PubMed 15489854; PubMed 19438932.

NM_014319.5(LEMD3):c.311del (p.Pro104fs)

Genes: LEMD3 (LEM domain containing 3; plus strand), LOC130008224 (ATAC-STARR-seq lymphoblastoid silent region 4630; plus strand). Cytogenetic location: 12q14.3.
Variant type: Deletion.
Coding change: c.311del on transcript NM_014319.5 (MANE Select); coding-DNA position 311, one base deleted (C; older notation c.311delC).
Protein change: p.Pro104fs; shifts the reading frame from proline 104.
Molecular consequence: frameshift variant.
Genome position (GRCh38, 1-based): chr12:65,169,907, C deleted; the last of 2 consecutive C bases (chr12:65,169,906-65,169,907); deleting either gives the same sequence. VCF-style (leftmost placement, unchanged base first): chr12-65169905-TC-T. GRCh37 (hg19) VCF-style: chr12-65563685-TC-T.
Other names: c.311del, p.Pro104fs (NM_001167614.2); short protein forms P104fs.
Identifiers: ClinVar variation 1414403 (VCV001414403.6), dbSNP rs2136312473, ClinGen allele CA2573148962.